The following is an entry in ClinVar:

ClinVar aggregate classification (germline): Uncertain significance. Review status: criteria provided, multiple submitters, no conflicts (2 of 4 stars). 4 submissions from 3 submitters: Uncertain significance (4). Last evaluated 2023-11-04.

Conditions:
Usher syndrome type 2A. Also called: RETINAL DISEASE IN USHER SYNDROME TYPE IIA, MODIFIER OF; USHER SYNDROME, TYPE IIA. Identifiers: Orphanet 231178, Orphanet 886, MedGen C1848634, MONDO:0010169, OMIM 276901.
Retinitis pigmentosa 39 (RP39). Identifiers: Orphanet 791, MedGen C3151138, MONDO:0013436, OMIM 613809.

Allele frequency attached by ClinVar (database versions not stated): gnomAD exomes 0.00002.
gnomAD v4.1: 35 of 1,613,974 alleles (0.0022%); highest among the groups gnomAD compares: Non-Finnish European, 0.0028%; no homozygotes.

Submissions (4):

Genome-Nilou Lab
Classification: Uncertain significance for Retinitis pigmentosa 39. Last evaluated: 2023-11-04. Review status: criteria provided, single submitter. Criteria: ACMG Guidelines, 2015. Collection method: clinical testing. Allele origin: germline. Affected: no.

Genome-Nilou Lab
Classification: Uncertain significance for Usher syndrome type 2A. Last evaluated: 2023-11-04. Review status: criteria provided, single submitter. Criteria: ACMG Guidelines, 2015. Collection method: clinical testing. Allele origin: germline. Affected: no.

GeneDx
Classification: Uncertain significance. Last evaluated: 2023-08-14. Review status: criteria provided, single submitter. Criteria: GeneDx Variant Classification Process June 2021. Collection method: clinical testing. Allele origin: germline. Affected: yes.
Comment: Not observed at significant frequency in large population cohorts (gnomAD); In silico analysis supports that this missense variant has a deleterious effect on protein structure/function; In-silico analysis is inconclusive as to whether the variant alters gene splicing. In the absence of RNA/functional studies, the actual effect of this sequence change is unknown.; Has not been previously published as pathogenic or benign to our knowledge

Labcorp Genetics (formerly Invitae), Labcorp
Classification: Uncertain significance. Last evaluated: 2022-03-15. Review status: criteria provided, single submitter. Criteria: Invitae Variant Classification Sherloc (09022015). Collection method: clinical testing. Allele origin: germline.
Comment: This sequence change replaces asparagine, which is neutral and polar, with serine, which is neutral and polar, at codon 1270 of the USH2A protein (p.Asn1270Ser). This variant is present in population databases (no rsID available, gnomAD 0.002%). This variant has not been reported in the literature in individuals affected with USH2A-related conditions. Algorithms developed to predict the effect of missense changes on protein structure and function are either unavailable or do not agree on the potential impact of this missense change (SIFT: "Deleterious"; PolyPhen-2: "Probably Damaging"; Align-GVGD: "Class C0"). Algorithms developed to predict the effect of sequence changes on RNA splicing suggest that this variant may disrupt the consensus splice site. In summary, the available evidence is currently insufficient to determine the role of this variant in disease. Therefore, it has been classified as a Variant of Uncertain Significance.

NM_206933.4(USH2A):c.3809A>G (p.Asn1270Ser)

Genes: USH2A (usherin; minus strand), USH2A-AS1 (USH2A antisense RNA 1; plus strand). Cytogenetic location: 1q41.
Variant type: single nucleotide variant.
Coding change: c.3809A>G on transcript NM_206933.4 (MANE Select); coding-DNA position 3809, A replaced by G.
Protein change: p.Asn1270Ser; replaces asparagine 1270 with serine.
Molecular consequence: missense variant.
Genome position (GRCh38, 1-based): chr1:216,199,629, T>C on the plus strand (A>G on the coding strand, the complement: USH2A is on the minus strand). VCF-style: chr1-216199629-T-C. GRCh37 (hg19) VCF-style: chr1-216372971-T-C.
Other names: c.3809A>G (NM_206933.2); c.3809A>G, p.Asn1270Ser (NM_007123.6); short protein forms N1270S.
Identifiers: ClinVar variation 1920830 (VCV001920830.4), dbSNP rs910211433, ClinGen allele CA37504503.
Genomic context (GRCh38, chr1:216,199,629, plus strand): 5'-CAATAGATTCTCATTCATGTCTTGACCAAAAAGGGGAATCTCAGCCTTGGATTCTTACCA[T>C]TTAGTTCCGCTGGTGGAGACCATTCTACATGAAGTTCTGTAGAACTGATTTTCTGCATCT-3'
Protein context (NP_996816.3, residues 1260-1280): HVEWSPPAEL[Asn1270Ser]GIIIRYELYM